The following continues an entry in ClinVar:

NM_003001.5(SDHC):c.380A>G (p.His127Arg)

Gene: SDHC. ClinVar aggregate classification (germline): Pathogenic/Likely pathogenic. Pathogenic (4); Likely pathogenic (8).

Submissions 9 to 12 of 12:

Baylor Genetics
Classification: Pathogenic for Gastrointestinal stromal tumor. Last evaluated: 2023-12-07. Review status: criteria provided, single submitter. Criteria: ACMG Guidelines, 2015. Collection method: clinical testing. Allele origin: unknown.

Department of Pediatrics, Memorial Sloan Kettering Cancer Center
Classification: Likely pathogenic for Gastrointestinal stromal tumor. Last evaluated: 2020-12-15. Review status: criteria provided, single submitter. Criteria: ACMG Guidelines, 2015. Collection method: research. Allele origin: germline. Affected: no.

Laboratory for Molecular Medicine, Mass General Brigham Personalized Medicine
Classification: Likely pathogenic for Hereditary pheochromocytoma and paraganglioma. Last evaluated: 2020-08-10. Review status: criteria provided, single submitter. Criteria: ACMG Guidelines, 2015. Collection method: clinical testing. Allele origin: germline. Inheritance: Autosomal dominant inheritance.
Comment: The p.His127Arg variant in SDHC has been reported in 6 individuals with SDHC-related tumors and segregated with disease in 1 affected individual from 1 family (Gill 2013 PMID: 24150194; Miettinen 2013 PMID: 23282968; Denes 2015 PMID: 25494863; Rattenberry 2013 PMID: 23666964; Casey 2019 PMID 31308404; Invitae). It was absent from large population studies. This variant has also been reported in ClinVar (Variation ID 187084). Computational prediction tools and conservation analysis suggest that this variant may impact the protein, though this information is not predictive enough to determine pathogenicity. In summary, although additional studies are required to fully establish its clinical significance, this variant meets criteria to be classified as likely pathogenic for autosomal dominant SDHC-related tumors. ACMG/AMP Criteria applied: PM2, PP3, PS4_Strong.

Blueprint Genetics
Classification: Likely pathogenic for SDHC-related disorders. Last evaluated: 2019-02-12. Review status: criteria provided, single submitter. Criteria: ACMG Guidelines, 2015. Collection method: clinical testing. Allele origin: germline. Affected: yes. Observed: 2 variant alleles.

Literature cited by the submitters: PubMed 23666964 (cited by 6 submitters); PubMed 24150194 (cited by 5 submitters); PubMed 25494863 (cited by 6 submitters); PubMed 22517557 (cited by Labcorp Genetics (formerly Invitae), Labcorp and Ambry Genetics); PubMed 24758179 (cited by Labcorp Genetics (formerly Invitae), Labcorp); PubMed 15989954 (cited by Ambry Genetics and All of Us Research Program, National Institutes of Health); PubMed 18491383 (cited by Ambry Genetics); PubMed 19332149 (cited by Ambry Genetics and All of Us Research Program, National Institutes of Health); PubMed 23162105 (cited by Ambry Genetics); PubMed 23282968 (cited by 4 submitters); PubMed 24096523 (cited by Ambry Genetics); PubMed 24625421 (cited by 3 submitters); PubMed 25025441 (cited by 3 submitters); PubMed 25394176 (cited by Ambry Genetics); PubMed 29386252 (cited by 3 submitters); PubMed 31308404 (cited by 4 submitters); PubMed 35739278 (cited by Quest Diagnostics Nichols Institute San Juan Capistrano); PubMed 34308366 (cited by Quest Diagnostics Nichols Institute San Juan Capistrano); PubMed 36045543 (cited by Quest Diagnostics Nichols Institute San Juan Capistrano); PubMed 36198483 (cited by Quest Diagnostics Nichols Institute San Juan Capistrano); PubMed 34703596 (cited by Quest Diagnostics Nichols Institute San Juan Capistrano); PubMed 34301805 (cited by Quest Diagnostics Nichols Institute San Juan Capistrano); PubMed 34558728 (cited by Quest Diagnostics Nichols Institute San Juan Capistrano and All of Us Research Program, National Institutes of Health); PubMed 34110302 (cited by Quest Diagnostics Nichols Institute San Juan Capistrano and All of Us Research Program, National Institutes of Health); PubMed 26259135 (cited by Quest Diagnostics Nichols Institute San Juan Capistrano); PubMed 36449569 (cited by Quest Diagnostics Nichols Institute San Juan Capistrano); PubMed 32751108 (cited by Quest Diagnostics Nichols Institute San Juan Capistrano); PubMed 30201732 (cited by Quest Diagnostics Nichols Institute San Juan Capistrano); PubMed 28873162 (cited by Department of Pediatrics, Memorial Sloan Kettering Cancer Center).